The following is an entry in ClinVar:

ClinVar aggregate classification (germline): Uncertain significance. Review status: criteria provided, multiple submitters, no conflicts (2 of 4 stars). 2 submissions from 2 submitters: Uncertain significance (2). Last evaluated 2025-09-10.

Allele frequency attached by ClinVar (database versions not stated): gnomAD 0.00001; ExAC 0.00002.
gnomAD v4.1: 6 of 1,613,974 alleles (0.00037%); highest among the groups gnomAD compares: African/African-American, 0.0027%; no homozygotes.

Submissions (2):

Ambry Genetics
Classification: Uncertain significance. Last evaluated: 2025-09-10. Review status: criteria provided, single submitter. Criteria: Ambry Variant Classification Scheme 2023. Collection method: clinical testing. Allele origin: germline.

Labcorp Genetics (formerly Invitae), Labcorp
Classification: Uncertain significance. Last evaluated: 2021-04-14. Review status: criteria provided, single submitter. Criteria: Invitae Variant Classification Sherloc (09022015). Collection method: clinical testing. Allele origin: germline.
Comment: In summary, the available evidence is currently insufficient to determine the role of this variant in disease. Therefore, it has been classified as a Variant of Uncertain Significance. Algorithms developed to predict the effect of sequence changes on RNA splicing suggest that this variant may create or strengthen a splice site, but this prediction has not been confirmed by published transcriptional studies. Algorithms developed to predict the effect of missense changes on protein structure and function are either unavailable or do not agree on the potential impact of this missense change (SIFT: "Deleterious"; PolyPhen-2: "Possibly Damaging"; Align-GVGD: "Class C0"). This variant has not been reported in the literature in individuals with RINT1-related conditions. This variant is present in population databases (rs765128005, ExAC 0.009%). This sequence change replaces isoleucine with valine at codon 539 of the RINT1 protein (p.Ile539Val). The isoleucine residue is highly conserved and there is a small physicochemical difference between isoleucine and valine.

NM_021930.6(RINT1):c.1615A>G (p.Ile539Val)

Gene: RINT1 (RAD50 interactor 1; plus strand). Cytogenetic location: 7q22.3.
Variant type: single nucleotide variant.
Coding change: c.1615A>G on transcript NM_021930.6 (MANE Select); coding-DNA position 1615, A replaced by G.
Protein change: p.Ile539Val; replaces isoleucine 539 with valine.
Molecular consequence: missense variant.
Genome position (GRCh38, 1-based): chr7:105,555,171, A>G. VCF-style: chr7-105555171-A-G. GRCh37 (hg19) VCF-style: chr7-105195618-A-G.
Other names: c.1615A>G (NM_021930.4); c.1381A>G, p.Ile461Val (NM_001346599.2); c.592A>G, p.Ile198Val (NM_001346600.2, NM_001346603.2); c.691A>G, p.Ile231Val (NM_001346601.2); short protein forms I198V, I231V, I461V, I539V.
Identifiers: ClinVar variation 1418957 (VCV001418957.10), dbSNP rs765128005, ClinGen allele CA4426717.
Genomic context (GRCh38, chr7:105,555,171, plus strand): 5'-CGATTAACACAAGTGATGAAAGAAGAGACTAGAGCTTCCCTTGGCTTTCGATACTGTGCA[A>G]TTCTTAATGCTGTGAACTACATCTCAACAGTACTAGCAGATTGGGCTGACAATGTTGTGA-3'
Protein context (NP_068749.3, residues 529-549): RASLGFRYCA[Ile539Val]LNAVNYISTV